The following is an entry in ClinVar:

NM_130466.4(UBE3B):c.1867C>T (p.Pro623Ser)

Gene: UBE3B (ubiquitin protein ligase E3B; plus strand). Cytogenetic location: 12q24.11.
Variant type: single nucleotide variant.
Coding change: c.1867C>T on transcript NM_130466.4 (MANE Select); coding-DNA position 1867, C replaced by T.
Protein change: p.Pro623Ser; replaces proline 623 with serine.
Molecular consequence: missense variant.
Genome position (GRCh38, 1-based): chr12:109,511,214, C>T. VCF-style: chr12-109511214-C-T. GRCh37 (hg19) VCF-style: chr12-109949019-C-T.
Other names: c.1867C>T (NM_130466.2); c.1867C>T, p.Pro623Ser (NM_183415.3); short protein forms P623S.
Identifiers: ClinVar variation 2428146 (VCV002428146.6), dbSNP rs371072652, ClinGen allele CA6778025.

ClinVar aggregate classification (germline): Uncertain significance. Review status: criteria provided, multiple submitters, no conflicts (2 of 4 stars). 3 submissions from 3 submitters: Uncertain significance (3). Last evaluated 2025-05-30.

Conditions:
Inborn genetic diseases. Identifiers: MedGen C0950123, MeSH D030342.

Allele frequency attached by ClinVar (database versions not stated): TOPMed below 0.00001; ESP Exome Variant Server 0.00008; gnomAD exomes 0.00001; ExAC 0.00002.
gnomAD v4.1: 8 of 1,614,074 alleles (0.0005%); highest among the groups gnomAD compares: Non-Finnish European, 0.00059%; no homozygotes.

Submissions (3):

Greenwood Genetic Center Diagnostic Laboratories, Greenwood Genetic Center
Classification: Uncertain significance. Last evaluated: 2025-05-30. Review status: criteria provided, single submitter. Criteria: ACMG Guidelines, 2015. Collection method: clinical testing. Allele origin: germline. Affected: yes.
Comment: PM2, BP4

Ambry Genetics
Classification: Uncertain significance for Inborn genetic diseases. Last evaluated: 2023-01-23. Review status: criteria provided, single submitter. Criteria: Ambry Variant Classification Scheme 2023. Collection method: clinical testing. Allele origin: germline.

Labcorp Genetics (formerly Invitae), Labcorp
Classification: Uncertain significance. Last evaluated: 2021-12-19. Review status: criteria provided, single submitter. Criteria: Invitae Variant Classification Sherloc (09022015). Collection method: clinical testing. Allele origin: germline.
Comment: This sequence change replaces proline, which is neutral and non-polar, with serine, which is neutral and polar, at codon 623 of the UBE3B protein (p.Pro623Ser). This variant is present in population databases (rs371072652, gnomAD 0.004%). This variant has not been reported in the literature in individuals affected with UBE3B-related conditions. Algorithms developed to predict the effect of missense changes on protein structure and function (SIFT, PolyPhen-2, Align-GVGD) all suggest that this variant is likely to be tolerated. In summary, the available evidence is currently insufficient to determine the role of this variant in disease. Therefore, it has been classified as a Variant of Uncertain Significance.